The following is an entry in ClinVar:

NM_000257.4(MYH7):c.2371C>A (p.Gln791Lys)

Genes: MYH7 (myosin heavy chain 7; minus strand), LOC126861898 (BRD4-independent group 4 enhancer GRCh37_chr14:23893609-23894808; plus strand). Cytogenetic location: 14q11.2.
Variant type: single nucleotide variant.
Coding change: c.2371C>A on transcript NM_000257.4 (MANE Select); coding-DNA position 2371, C replaced by A.
Protein change: p.Gln791Lys; replaces glutamine 791 with lysine.
Molecular consequence: missense variant.
Genome position (GRCh38, 1-based): chr14:23,425,334, G>T on the plus strand (C>A on the coding strand, the complement: MYH7 is on the minus strand). VCF-style: chr14-23425334-G-T. GRCh37 (hg19) VCF-style: chr14-23894543-G-T.
Other names: short protein forms Q791K.
Identifiers: ClinVar variation 1015472 (VCV001015472.9), dbSNP rs550570026, ClinGen allele CA032435.

ClinVar aggregate classification (germline): Uncertain significance (1 of 4 stars; one submission).

Conditions:
Hypertrophic cardiomyopathy. Also called: HYPERTROPHIC MYOCARDIOPATHY. Identifiers: Orphanet 217569, MedGen C0007194, MeSH D002312, MONDO:0005045, HP:0001639.

Allele frequency attached by ClinVar (database versions not stated): gnomAD exomes below 0.00001; ExAC 0.00001; 1000 Genomes Project 0.00020.

Submission:

Labcorp Genetics (formerly Invitae), Labcorp
Classification: Uncertain significance for Hypertrophic cardiomyopathy. Last evaluated: 2020-09-23. Review status: criteria provided, single submitter. Criteria: Invitae Variant Classification Sherloc (09022015). Collection method: clinical testing. Allele origin: germline.
Comment: This sequence change replaces glutamine with lysine at codon 791 of the MYH7 protein (p.Gln791Lys). The glutamine residue is highly conserved and there is a small physicochemical difference between glutamine and lysine. This variant is present in population databases (rs550570026, ExAC 0.001%). In summary, the available evidence is currently insufficient to determine the role of this variant in disease. Therefore, it has been classified as a Variant of Uncertain Significance. This variant is found within a region of MYH7 between codons 181 and 937 that contains the majority of the myosin head domain. Missense variants in this region have been shown to be significantly overrepresented in individuals with hypertrophic cardiomyopathy (PMID: 27532257). Algorithms developed to predict the effect of missense changes on protein structure and function are either unavailable or do not agree on the potential impact of this missense change (SIFT: "Deleterious"; PolyPhen-2: "Benign"; Align-GVGD: "Class C45"). This variant has not been reported in the literature in individuals with MYH7-related conditions.

Literature cited by the submitters: PubMed 27532257.